The following is an entry in ClinVar:

NM_016507.4(CDK12):c.3804G>T (p.Glu1268Asp)

Gene: CDK12 (cyclin dependent kinase 12; plus strand). Cytogenetic location: 17q12.
Variant type: single nucleotide variant.
Coding change: c.3804G>T on transcript NM_016507.4 (MANE Select); coding-DNA position 3804, G replaced by T.
Protein change: p.Glu1268Asp; replaces glutamic acid 1268 with aspartic acid.
Molecular consequence: missense variant.
Genome position (GRCh38, 1-based): chr17:39,530,647, G>T. VCF-style: chr17-39530647-G-T. GRCh37 (hg19) VCF-style: chr17-37686900-G-T.
Other names: c.3777G>T, p.Glu1259Asp (NM_015083.4); short protein forms E1268D, E1259D.
Identifiers: ClinVar variation 3999255 (VCV003999255.1).

ClinVar aggregate classification (germline): Uncertain significance (1 of 4 stars; one submission).

Submission:

Ambry Genetics
Classification: Uncertain significance. Last evaluated: 2025-03-22. Review status: criteria provided, single submitter. Criteria: Ambry Variant Classification Scheme 2023. Collection method: clinical testing. Allele origin: germline.
Comment: The p.E1268D variant (also known as c.3804G>T), located in coding exon 14 of the CDK12 gene, results from a G to T substitution at nucleotide position 3804. The glutamic acid at codon 1268 is replaced by aspartic acid, an amino acid with highly similar properties. This amino acid position is conserved. In addition, this alteration is predicted to be tolerated by in silico analysis. Based on the available evidence, the clinical significance of this variant remains unclear.